The following is an entry in ClinVar:

ClinVar aggregate classification (germline): Benign. Review status: criteria provided, multiple submitters, no conflicts (2 of 4 stars). 2 submissions from 2 submitters: Benign (2). Last evaluated 2018-01-12.

Conditions:
Fibrous dysplasia of jaw (CRBM). Also called: Cherubism. Identifiers: Orphanet 184, MedGen C0008029, MONDO:0007315, OMIM 118400.

Allele frequency attached by ClinVar (database versions not stated): gnomAD 0.02335 and 0.02372; 1000 Genomes Project 30x 0.02389; 1000 Genomes Project 0.02396; TOPMed 0.02649.

Submissions (2):

Illumina Laboratory Services, Illumina
Classification: Benign for Fibrous dysplasia of jaw. Last evaluated: 2018-01-12. Review status: criteria provided, single submitter. Criteria: ICSL Variant Classification Criteria 13 December 2019. Collection method: clinical testing. Allele origin: germline.
Comment: This variant was observed in the ICSL laboratory as part of a predisposition screen in an ostensibly healthy population. It had not been previously curated by ICSL or reported in the Human Gene Mutation Database (HGMD: prior to June 1st, 2018), and was therefore a candidate for classification through an automated scoring system. Utilizing variant allele frequency, disease prevalence and penetrance estimates, and inheritance mode, an automated score was calculated to assess if this variant is too frequent to cause the disease. Based on the score and internal cut-off values, a variant classified as benign is not then subjected to further curation. The score for this variant resulted in a classification of benign for this disease.

Breakthrough Genomics
Classification: Benign. Review status: criteria provided, single submitter. Criteria: ACMG Guidelines, 2015. Collection method: not provided. Allele origin: germline. Inheritance: Autosomal dominant inheritance. Affected: yes.

NM_001122681.2(SH3BP2):c.*6076T>C

Gene: SH3BP2 (SH3 domain binding protein 2; plus strand). Cytogenetic location: 4p16.3.
Variant type: single nucleotide variant.
Coding change: c.*6076T>C on transcript NM_001122681.2 (MANE Select); 6076 bases downstream of the stop codon, T replaced by C.
Molecular consequence: 3 prime UTR variant.
Genome position (GRCh38, 1-based): chr4:2,839,910, T>C. VCF-style: chr4-2839910-T-C. GRCh37 (hg19) VCF-style: chr4-2841637-T-C.
Other names: c.*6076T>C (LRG_1334t2, LRG_1334t1, NM_001145855.2 and 2 more transcripts).
Identifiers: ClinVar variation 348701 (VCV000348701.6), dbSNP rs75261481, ClinGen allele CA10621000.